The following is an entry in ClinVar:

ClinVar aggregate classification (germline): Uncertain significance. Review status: criteria provided, multiple submitters, no conflicts (2 of 4 stars). 3 submissions from 3 submitters: Uncertain significance (3). Last evaluated 2025-12-21.

Conditions:
Pheochromocytoma/paraganglioma syndrome 4. Also called: SDHB-Related Hereditary Paraganglioma-Pheochromocytoma Syndrome (Paragangliomas 4); SDHB-Related Hereditary Paraganglioma-Pheochromocytoma Syndrome; Paragangliomas 4; CAROTID BODY TUMORS AND MULTIPLE EXTRAADRENAL PHEOCHROMOCYTOMAS; PARAGANGLIOMA, FAMILIAL MALIGNANT; PARAGANGLIOMAS, HEREDITARY EXTRAADRENAL. Identifiers: Orphanet 29072, MedGen C1861848, MONDO:0007273, OMIM 115310.
Gastrointestinal stromal tumor. Also called: Gastrointestinal stromal tumor, somatic; Gastrointestinal stroma tumor. Identifiers: Orphanet 44890, MedGen C0238198, MeSH D046152, MONDO:0011719, OMIM 606764, HP:0100723.
Pheochromocytoma. Also called: MAX-Related Hereditary Paraganglioma-Pheochromocytoma Syndrome. Identifiers: Orphanet 29072, MedGen C0031511, MONDO:0008233, OMIM 171300, HP:0002666.
Hereditary cancer-predisposing syndrome. Also called: Neoplastic Syndromes, Hereditary; Tumor predisposition; Hereditary neoplastic syndrome; Hereditary Cancer Syndrome. Identifiers: Orphanet 140162, MedGen C0027672, MeSH D009386, MONDO:0015356.

gnomAD v4.1: 3 of 1,612,736 alleles (0.00019%); highest among the groups gnomAD compares: Non-Finnish European, 0.00017%; no homozygotes.

Submissions (3):

Ambry Genetics
Classification: Uncertain significance for Hereditary cancer-predisposing syndrome. Last evaluated: 2025-12-21. Review status: criteria provided, single submitter. Criteria: Ambry Variant Classification Scheme 2023. Collection method: clinical testing. Allele origin: germline.
Comment: The p.A21V variant (also known as c.62C>T), located in coding exon 1 of the SDHB gene, results from a C to T substitution at nucleotide position 62. The alanine at codon 21 is replaced by valine, an amino acid with similar properties. This amino acid position is not well conserved in available vertebrate species. In addition, this alteration is predicted to be tolerated by in silico analysis. Since supporting evidence is limited at this time, the clinical significance of this alteration remains unclear.

Labcorp Genetics (formerly Invitae), Labcorp
Classification: Uncertain significance for Gastrointestinal stromal tumor; Pheochromocytoma/paraganglioma syndrome 4; Pheochromocytoma. Last evaluated: 2024-09-12. Review status: criteria provided, single submitter. Criteria: Invitae Variant Classification Sherloc (09022015). Collection method: clinical testing. Allele origin: germline.
Comment: This sequence change replaces alanine, which is neutral and non-polar, with valine, which is neutral and non-polar, at codon 21 of the SDHB protein (p.Ala21Val). This variant is not present in population databases (gnomAD no frequency). This variant has not been reported in the literature in individuals affected with SDHB-related conditions. ClinVar contains an entry for this variant (Variation ID: 1426989). Invitae Evidence Modeling of protein sequence and biophysical properties (such as structural, functional, and spatial information, amino acid conservation, physicochemical variation, residue mobility, and thermodynamic stability) indicates that this missense variant is not expected to disrupt SDHB protein function with a negative predictive value of 95%. In summary, the available evidence is currently insufficient to determine the role of this variant in disease. Therefore, it has been classified as a Variant of Uncertain Significance.

GeneDx
Classification: Uncertain significance. Last evaluated: 2023-10-26. Review status: criteria provided, single submitter. Criteria: GeneDx Variant Classification Process June 2021. Collection method: clinical testing. Allele origin: germline.
Comment: Not observed at significant frequency in large population cohorts (gnomAD); In silico analysis supports that this missense variant does not alter protein structure/function; Has not been previously published as pathogenic or benign to our knowledge

NM_003000.3(SDHB):c.62C>T (p.Ala21Val)

Genes: SDHB (succinate dehydrogenase complex iron sulfur subunit B; minus strand), LOC129929542 (ATAC-STARR-seq lymphoblastoid active region 277; plus strand). Cytogenetic location: 1p36.13.
Variant type: single nucleotide variant.
Coding change: c.62C>T on transcript NM_003000.3 (MANE Select); coding-DNA position 62, C replaced by T.
Protein change: p.Ala21Val; replaces alanine 21 with valine.
Molecular consequence: missense variant.
Genome position (GRCh38, 1-based): chr1:17,053,958, G>A on the plus strand (C>T on the coding strand, the complement: SDHB is on the minus strand). VCF-style: chr1-17053958-G-A. GRCh37 (hg19) VCF-style: chr1-17380453-G-A.
Other names: c.62C>T (NM_003000.2); short protein forms A21V.
Identifiers: ClinVar variation 1426989 (VCV001426989.11), dbSNP rs2078163173, ClinGen allele CA338230633.